The following is an entry in ClinVar:

ClinVar aggregate classification (germline): Pathogenic. Review status: criteria provided, multiple submitters, no conflicts (2 of 4 stars). 2 submissions from 2 submitters: Pathogenic (2). Last evaluated 2024-06-06.

Submissions (2):

Labcorp Genetics (formerly Invitae), Labcorp
Classification: Pathogenic. Last evaluated: 2024-06-06. Review status: criteria provided, single submitter. Criteria: Invitae Variant Classification Sherloc (09022015). Collection method: clinical testing. Allele origin: germline.
Comment: This sequence change affects a donor splice site in intron 2 of the PHEX gene. It is expected to disrupt RNA splicing. Variants that disrupt the donor or acceptor splice site typically lead to a loss of protein function (PMID: 16199547), and loss-of-function variants in PHEX are known to be pathogenic (PMID: 9097956, 9106524, 19219621). This variant is not present in population databases (gnomAD no frequency). Disruption of this splice site has been observed in individuals with hypophosphatemia (PMID: 34141703; Invitae). ClinVar contains an entry for this variant (Variation ID: 447936). Algorithms developed to predict the effect of sequence changes on RNA splicing suggest that this variant may disrupt the consensus splice site. For these reasons, this variant has been classified as Pathogenic.

Athena Diagnostics
Classification: Pathogenic. Last evaluated: 2016-10-25. Review status: criteria provided, single submitter. Criteria: Athena Diagnostics Criteria. Collection method: clinical testing. Allele origin: germline.

Literature cited by the submitters: PubMed 16199547 (cited by Labcorp Genetics (formerly Invitae), Labcorp); PubMed 9097956 (cited by Labcorp Genetics (formerly Invitae), Labcorp); PubMed 9106524 (cited by Labcorp Genetics (formerly Invitae), Labcorp); PubMed 19219621 (cited by Labcorp Genetics (formerly Invitae), Labcorp); PubMed 34141703 (cited by Labcorp Genetics (formerly Invitae), Labcorp).

NM_000444.6(PHEX):c.187+1G>A

Gene: PHEX (phosphate regulating endopeptidase X-linked; plus strand). Cytogenetic location: Xp22.11.
Variant type: single nucleotide variant.
Coding change: c.187+1G>A on transcript NM_000444.6 (MANE Select); the canonical splice donor site of the intron after coding-DNA position 187, G replaced by A.
Molecular consequence: splice donor variant.
Genome position (GRCh38, 1-based): chrX:22,038,538, G>A. VCF-style: chrX-22038538-G-A. GRCh37 (hg19) VCF-style: chrX-22056656-G-A.
Other names: c.187+1G>A (NM_001282754.2).
Identifiers: ClinVar variation 447936 (VCV000447936.4), dbSNP rs1556012100, ClinGen allele CA412566068.